The following is an entry in ClinVar:

NM_000075.4(CDK4):c.600T>C (p.Val200=)

Gene: CDK4 (cyclin dependent kinase 4; minus strand). Cytogenetic location: 12q14.1.
Variant type: single nucleotide variant.
Coding change: c.600T>C on transcript NM_000075.4 (MANE Select); coding-DNA position 600, T replaced by C.
Protein change: p.Val200=; no amino-acid change (valine 200 retained).
Molecular consequence: synonymous variant.
Genome position (GRCh38, 1-based): chr12:57,750,688, A>G on the plus strand (T>C on the coding strand, the complement: CDK4 is on the minus strand). VCF-style: chr12-57750688-A-G. GRCh37 (hg19) VCF-style: chr12-58144471-A-G.
Identifiers: ClinVar variation 3378636 (VCV003378636.1).

ClinVar aggregate classification (germline): Benign (1 of 4 stars; one submission).

Conditions:
Melanoma, cutaneous malignant, susceptibility to, 3. Also called: Cutaneous malignant melanoma 3. Identifiers: Orphanet 618, MedGen C1836892, MONDO:0012183, OMIM 609048.

gnomAD v4.1: 1 of 1,614,064 alleles (0.000062%); highest among the groups gnomAD compares: Non-Finnish European, 0.000085%; no homozygotes.

Submission:

Myriad Genetics, Inc.
Classification: Benign for Melanoma, cutaneous malignant, susceptibility to, 3. Last evaluated: 2024-09-26. Review status: criteria provided, single submitter. Criteria: Myriad Autosomal Dominant, Autosomal Recessive and X-Linked Classification Criteria (2023). Collection method: clinical testing. Allele origin: unknown.
Comment: This variant is considered benign. This variant is a silent/synonymous amino acid change and it is not expected to impact splicing.